The following is an entry in ClinVar:

ClinVar aggregate classification (germline): Uncertain significance (1 of 4 stars; one submission).

Conditions:
Hyper-IgE recurrent infection syndrome 1, autosomal dominant. Also called: STAT3 Hyper IgE Syndrome; Hyper-IgE recurrent infection syndrome 1; JOB SYNDROME; Job's Syndrome; HYPER-IgE SYNDROME 1, AUTOSOMAL DOMINANT, WITH RECURRENT INFECTIONS. Identifiers: Orphanet 2314, MedGen C2936739, MONDO:0007818, OMIM 147060.
STAT3 gain of function. Identifiers: MedGen C4288261.

Submission:

Labcorp Genetics (formerly Invitae), Labcorp
Classification: Uncertain significance for STAT3 gain of function; Hyper-IgE recurrent infection syndrome 1, autosomal dominant. Last evaluated: 2024-05-23. Review status: criteria provided, single submitter. Criteria: Invitae Variant Classification Sherloc (09022015). Collection method: clinical testing. Allele origin: germline.
Comment: This sequence change affects an acceptor splice site in intron 19 of the STAT3 gene. It is expected to disrupt RNA splicing. Variants that disrupt the donor or acceptor splice site typically lead to a loss of protein function (PMID: 16199547), however the current clinical and genetic evidence is not sufficient to establish whether loss-of-function variants in STAT3 cause disease. This variant is not present in population databases (gnomAD no frequency). This variant has not been reported in the literature in individuals affected with STAT3-related conditions. Algorithms developed to predict the effect of sequence changes on RNA splicing suggest that this variant may disrupt the consensus splice site. In summary, the available evidence is currently insufficient to determine the role of this variant in disease. Therefore, it has been classified as a Variant of Uncertain Significance.

Literature cited by the submitters: PubMed 16199547.

NM_139276.3(STAT3):c.1749-1G>C

Gene: STAT3 (signal transducer and activator of transcription 3; minus strand). Cytogenetic location: 17q21.2.
Variant type: single nucleotide variant.
Coding change: c.1749-1G>C on transcript NM_139276.3 (MANE Select); the canonical splice acceptor site of the intron before coding-DNA position 1749, G replaced by C.
Molecular consequence: splice acceptor variant.
Genome position (GRCh38, 1-based): chr17:42,323,144, C>G on the plus strand (G>C on the coding strand, the complement: STAT3 is on the minus strand). VCF-style: chr17-42323144-C-G. GRCh37 (hg19) VCF-style: chr17-40475162-C-G.
Other names: c.1653-1G>C (NM_001384989.1); c.1689-1G>C (NM_001384992.1); c.1665-1G>C (NM_001384984.1); c.1749-1G>C (NM_001369519.1, NM_003150.4, NM_001369517.1 and 9 more transcripts); c.1671-1G>C (NM_001384985.1); c.1728-1G>C (NM_001384987.1); c.1722-1G>C (NM_001384991.1); c.1764-1G>C (NM_001384986.1, NM_001384990.1).
Identifiers: ClinVar variation 3756517 (VCV003756517.2).